The following is an entry in ClinVar:

ClinVar aggregate classification (germline): Conflicting classifications of pathogenicity. Review status: criteria provided, conflicting classifications (1 of 4 stars). 6 submissions from 6 submitters: Uncertain significance (1); Benign (1); Likely benign (4). Last evaluated 2025-09-23.

Conditions:
Inborn genetic diseases. Identifiers: MedGen C0950123, MeSH D030342.
KBG syndrome (KBGS). Also called: ANKRD11-Related KBG Syndrome. Identifiers: Orphanet 2332, MedGen C0220687, MONDO:0007846, OMIM 148050.

Allele frequency attached by ClinVar (database versions not stated): TOPMed 0.00012; gnomAD exomes 0.00014; ESP Exome Variant Server 0.00015; ExAC 0.00016; gnomAD 0.00021 and 0.00022.
gnomAD v4.1: 252 of 1,613,870 alleles (0.016%); highest among the groups gnomAD compares: Non-Finnish European, 0.021%; no homozygotes.

Submissions (6):

Labcorp Genetics (formerly Invitae), Labcorp
Classification: Benign for KBG syndrome. Last evaluated: 2025-09-23. Review status: criteria provided, single submitter. Criteria: Invitae Variant Classification Sherloc (09022015). Collection method: clinical testing. Allele origin: germline.

Blueprint Genetics
Classification: Likely benign. Last evaluated: 2024-09-16. Review status: criteria provided, single submitter. Criteria: ACMG Guidelines, 2015. Collection method: clinical testing. Allele origin: germline.

CeGaT Center for Human Genetics Tuebingen
Classification: Likely benign. Last evaluated: 2023-12-01. Review status: criteria provided, single submitter. Criteria: CeGaT Center For Human Genetics Tuebingen Variant Classification Criteria Version 2. Collection method: clinical testing. Allele origin: germline. Affected: yes. Observed: 2 variant alleles.
Comment: ANKRD11: BS2

Ambry Genetics
Classification: Likely benign for Inborn genetic diseases. Last evaluated: 2023-02-07. Review status: criteria provided, single submitter. Criteria: Ambry Variant Classification Scheme 2023. Collection method: clinical testing. Allele origin: germline.

GeneDx
Classification: Likely benign. Last evaluated: 2021-01-27. Review status: criteria provided, single submitter. Criteria: GeneDx Variant Classification Process June 2021. Collection method: clinical testing. Allele origin: germline. Affected: yes.
Comment: In silico analysis supports that this missense variant has a deleterious effect on protein structure/function; Has not been previously published as pathogenic or benign to our knowledge

Genetic Services Laboratory, University of Chicago
Classification: Uncertain significance. Last evaluated: 2017-10-30. Review status: criteria provided, single submitter. Criteria: ACMG Guidelines, 2015. Collection method: clinical testing. Allele origin: germline. Affected: no.

NM_013275.6(ANKRD11):c.116C>T (p.Thr39Ile)

Gene: ANKRD11 (ankyrin repeat domain 11; minus strand). Cytogenetic location: 16q24.3.
Variant type: single nucleotide variant.
Coding change: c.116C>T on transcript NM_013275.6 (MANE Select); coding-DNA position 116, C replaced by T.
Protein change: p.Thr39Ile; replaces threonine 39 with isoleucine.
Molecular consequence: missense variant. On other transcripts: non-coding transcript variant (1).
Genome position (GRCh38, 1-based): chr16:89,305,316, G>A on the plus strand (C>T on the coding strand, the complement: ANKRD11 is on the minus strand). VCF-style: chr16-89305316-G-A. GRCh37 (hg19) VCF-style: chr16-89371724-G-A.
Other names: c.116C>T (NM_013275.4); c.116C>T, p.Thr39Ile (NM_001256182.2, NM_001256183.2); short protein forms T39I.
Identifiers: ClinVar variation 643898 (VCV000643898.42), dbSNP rs149152296, ClinGen allele CA8243223.
Genomic context (GRCh38, chr16:89,305,316, plus strand): 5'-TTCCGCTTGCTGGCTCGCTCCCTCACCTCCTTCCCGCCATCGCCACGCTCCAGTTTTGGG[G>A]TCTTGGTTAGAGAAACTTTATCTTTATCCTAGAAAAGAAAGGGATGCTTTCAGTCGTGAT-3'
Protein context (NP_037407.4, residues 29-49): KDKDKVSLTK[Thr39Ile]PKLERGDGGK